The following is an entry in ClinVar:

NM_019032.6(ADAMTSL4):c.3212A>G (p.Gln1071Arg)

Gene: ADAMTSL4 (ADAMTS like 4; plus strand). Cytogenetic location: 1q21.2.
Variant type: single nucleotide variant.
Coding change: c.3212A>G on transcript NM_019032.6 (MANE Select); coding-DNA position 3212, A replaced by G.
Protein change: p.Gln1071Arg; replaces glutamine 1071 with arginine.
Molecular consequence: missense variant.
Genome position (GRCh38, 1-based): chr1:150,560,183, A>G. VCF-style: chr1-150560183-A-G. GRCh37 (hg19) VCF-style: chr1-150532659-A-G.
Other names: c.3095A>G, p.Gln1032Arg (NM_001288607.2); c.3281A>G, p.Gln1094Arg (NM_001288608.2); c.3212A>G, p.Gln1071Arg (NM_001378596.1); short protein forms Q1071R, Q1094R, Q1032R.
Identifiers: ClinVar variation 1970667 (VCV001970667.5), dbSNP rs2526802850, ClinGen allele CA342319514.

ClinVar aggregate classification (germline): Uncertain significance (1 of 4 stars; one submission).

Submission:

Labcorp Genetics (formerly Invitae), Labcorp
Classification: Uncertain significance. Last evaluated: 2024-01-02. Review status: criteria provided, single submitter. Criteria: Invitae Variant Classification Sherloc (09022015). Collection method: clinical testing. Allele origin: germline.
Comment: This sequence change replaces glutamine, which is neutral and polar, with arginine, which is basic and polar, at codon 1071 of the ADAMTSL4 protein (p.Gln1071Arg). This variant is not present in population databases (gnomAD no frequency). This variant has not been reported in the literature in individuals affected with ADAMTSL4-related conditions. ClinVar contains an entry for this variant (Variation ID: 1970667). Advanced modeling of protein sequence and biophysical properties (such as structural, functional, and spatial information, amino acid conservation, physicochemical variation, residue mobility, and thermodynamic stability) performed at Invitae indicates that this missense variant is not expected to disrupt ADAMTSL4 protein function with a negative predictive value of 80%. In summary, the available evidence is currently insufficient to determine the role of this variant in disease. Therefore, it has been classified as a Variant of Uncertain Significance.